The following is an entry in ClinVar:

NM_004586.3(RPS6KA3):c.1000-11_1000-10del

Gene: RPS6KA3 (ribosomal protein S6 kinase A3; minus strand). Cytogenetic location: Xp22.12.
Variant type: Deletion.
Coding change: c.1000-11_1000-10del on transcript NM_004586.3 (MANE Select); 11 bases into the intron before coding-DNA position 1000 through 10 bases into the intron before coding-DNA position 1000, 2 bases deleted (TT; older notation c.1000-11_1000-10delTT).
Molecular consequence: intron variant.
Genome position (GRCh38, 1-based): chrX:20,176,362-20,176,363, AA deleted on the plus strand (TT on the coding strand, the reverse complement: RPS6KA3 is on the minus strand); deleting any 2 consecutive bases within chrX:20,176,362-20,176,371 gives the same sequence; the c. name uses the placement nearest the transcript's 3' end. VCF-style (leftmost placement, unchanged base first): chrX-20176361-GAA-G. GRCh37 (hg19) VCF-style: chrX-20194479-GAA-G.
Identifiers: ClinVar variation 3351420 (VCV003351420.1).

ClinVar aggregate classification (germline): Likely benign (0 of 4 stars; one submission).

Conditions:
RPS6KA3-related disorder. Also called: RPS6KA3-related condition.

Submission:

PreventionGenetics, part of Exact Sciences
Classification: Likely benign for RPS6KA3-related condition. Last evaluated: 2023-10-18. Review status: no assertion criteria provided. Collection method: clinical testing. Allele origin: germline.
Comment: This variant is classified as likely benign based on ACMG/AMP sequence variant interpretation guidelines (Richards et al. 2015 PMID: 25741868, with internal and published modifications).